The following is an entry in ClinVar:

ClinVar aggregate classification (germline): Benign/Likely benign. Review status: criteria provided, multiple submitters, no conflicts (2 of 4 stars). 3 submissions from 3 submitters: Benign (1); Likely benign (2). Last evaluated 2025-02-19.

Conditions:
Hereditary cancer-predisposing syndrome. Also called: Neoplastic Syndromes, Hereditary; Tumor predisposition; Hereditary Cancer Syndrome; Hereditary neoplastic syndrome. Identifiers: Orphanet 140162, MedGen C0027672, MeSH D009386, MONDO:0015356.
Familial cancer of breast. Also called: hereditary breast carcinoma; BREAST CANCER, FAMILIAL; Hereditary breast cancer. Identifiers: Orphanet 227535, MedGen C0346153, MONDO:0016419, OMIM 114480. Disease mechanism: loss of function.
Ataxia-telangiectasia syndrome (AT). Also called: ATAXIA-TELANGIECTASIA, COMPLEMENTATION GROUP A; ATAXIA-TELANGIECTASIA, FRESNO VARIANT; Ataxia-telangiectasia; Ataxia-telangiectasia, complementation group D; AT, COMPLEMENTATION GROUP C; Ataxia-telangiectasia, complementation group E. Identifiers: Orphanet 100, MedGen C0004135, MONDO:0008840, OMIM 208900.

Allele frequency attached by ClinVar (database versions not stated): TOPMed below 0.00001; gnomAD 0.00001.
gnomAD v4.1: 1 of 1,614,010 alleles (0.000062%); highest among the groups gnomAD compares: East Asian, 0.0022%; no homozygotes.

Submissions (3):

Labcorp Genetics (formerly Invitae), Labcorp
Classification: Likely benign for Ataxia-telangiectasia syndrome. Last evaluated: 2025-02-19. Review status: criteria provided, single submitter. Criteria: Invitae Variant Classification Sherloc (09022015). Collection method: clinical testing. Allele origin: germline.

Myriad Genetics, Inc.
Classification: Benign for Familial cancer of breast. Last evaluated: 2024-05-10. Review status: criteria provided, single submitter. Criteria: Myriad Autosomal Dominant, Autosomal Recessive and X-Linked Classification Criteria (2023). Collection method: clinical testing. Allele origin: unknown.
Comment: This variant is considered benign. This variant is a silent/synonymous amino acid change and it is not expected to impact splicing.

Ambry Genetics
Classification: Likely benign for Hereditary cancer-predisposing syndrome. Last evaluated: 2020-03-23. Review status: criteria provided, single submitter. Criteria: Ambry Variant Classification Scheme 2023. Collection method: clinical testing. Allele origin: germline.

NM_000051.4(ATM):c.2862T>C (p.Leu954=)

Gene: ATM (ATM serine/threonine kinase; plus strand). Cytogenetic location: 11q22.3.
Variant type: single nucleotide variant.
Coding change: c.2862T>C on transcript NM_000051.4 (MANE Select); coding-DNA position 2862, T replaced by C.
Protein change: p.Leu954=; no amino-acid change (leucine 954 retained).
Molecular consequence: synonymous variant.
Genome position (GRCh38, 1-based): chr11:108,271,087, T>C. VCF-style: chr11-108271087-T-C. GRCh37 (hg19) VCF-style: chr11-108141814-T-C.
Other names: c.2862T>C, p.Leu954= (NM_001351834.2).
Identifiers: ClinVar variation 524471 (VCV000524471.11), dbSNP rs1426256662, ClinGen allele CA476674148.
Genomic context (GRCh38, chr11:108,271,087, plus strand): 5'-TGGATAAACCTGATTTTTTTCCCTCCTACCATCTTAGTATCTAATGCTTTTAAAGGAGCT[T>C]CCTGGAGAAGAGTACCCCTTGCCAATGGAAGATGTTCTTGAACTTCTGAAACCACTATCG-3'
Protein context (NP_000042.3, residues 944-964): LHMYLMLLKE[Leu954=]PGEEYPLPME